The following is an entry in ClinVar:

ClinVar aggregate classification (germline): Likely benign (0 of 4 stars; one submission).

Conditions:
SYNE1-related disorder. Also called: SYNE1-related disease; SYNE1-related condition; SYNE1-related disorders.

Submission:

PreventionGenetics, part of Exact Sciences
Classification: Likely benign for SYNE1-related condition. Last evaluated: 2019-06-04. Review status: no assertion criteria provided. Collection method: clinical testing. Allele origin: germline.
Comment: This variant is classified as likely benign based on ACMG/AMP sequence variant interpretation guidelines (Richards et al. 2015 PMID: 25741868, with internal and published modifications).

NM_182961.4(SYNE1):c.18402G>A (p.Glu6134=)

Gene: SYNE1 (spectrin repeat containing nuclear envelope protein 1; minus strand). Cytogenetic location: 6q25.2.
Variant type: single nucleotide variant.
Coding change: c.18402G>A on transcript NM_182961.4 (MANE Select); coding-DNA position 18402, G replaced by A.
Protein change: p.Glu6134=; no amino-acid change (glutamic acid 6134 retained).
Molecular consequence: synonymous variant.
Genome position (GRCh38, 1-based): chr6:152,278,260, C>T on the plus strand (G>A on the coding strand, the complement: SYNE1 is on the minus strand). VCF-style: chr6-152278260-C-T. GRCh37 (hg19) VCF-style: chr6-152599395-C-T.
Other names: c.18189G>A, p.Glu6063= (NM_033071.5).
Identifiers: ClinVar variation 3043935 (VCV003043935.2), dbSNP rs2153709506, ClinGen allele CA452748841.